The following continues an entry in ClinVar:

NM_001048174.2(MUTYH):c.1103G>A (p.Gly368Asp)

Gene: MUTYH. ClinVar aggregate classification (germline): Pathogenic/Likely pathogenic. Pathogenic (64); Likely pathogenic (5).

Submissions 57 to 80 of 93:

Clinical Genetics and Genomics, Karolinska University Hospital
Classification: Pathogenic. Last evaluated: 2017-01-04. Review status: criteria provided, single submitter. Criteria: ACMG Guidelines, 2015. Collection method: clinical testing. Allele origin: germline. Affected: yes. Observed: 15 variant alleles.

Center for Human Genetics, Inc
Classification: Pathogenic for Familial adenomatous polyposis 2. Last evaluated: 2016-11-01. Review status: criteria provided, single submitter. Criteria: ACMG Guidelines, 2015. Collection method: clinical testing. Allele origin: germline. Affected: yes.

Genetic Services Laboratory, University of Chicago
Classification: Pathogenic for Colorectal adenomatous polyposis, autosomal recessive, with pilomatricomas. Last evaluated: 2016-08-26. Review status: criteria provided, single submitter. Criteria: ACMG Guidelines, 2015. Collection method: clinical testing. Allele origin: germline. Affected: yes.

Vantari Genetics
Classification: Pathogenic for Hereditary cancer-predisposing syndrome. Last evaluated: 2015-12-21. Review status: criteria provided, single submitter. Criteria: ACMG Guidelines, 2015. Collection method: clinical testing. Allele origin: germline.

University of Washington Department of Laboratory Medicine, University of Washington
Classification: Pathogenic for Hereditary cancer-predisposing syndrome. Last evaluated: 2015-11-20. Review status: criteria provided, single submitter. Criteria: Shirts et al. (Genet Med 2016). Collection method: clinical testing. Allele origin: germline. Affected: no. Observed: 2 variant alleles.

Genomics England Pilot Project, Genomics England
Classification: Pathogenic for Familial adenomatous polyposis 2. Review status: criteria provided, single submitter. Criteria: ACGS Guidelines, 2016. Collection method: clinical testing. Allele origin: germline. Affected: yes.

Juno Genomics, Hangzhou Juno Genomics, Inc
Classification: Pathogenic for Familial adenomatous polyposis 2. Review status: criteria provided, single submitter. Criteria: ACMG Guidelines, 2015. Collection method: clinical testing. Allele origin: germline.
Comment: Well-established in vitro or in vivo functional studies supportive of a damaging effect on the gene or gene product.;For recessive disorders, detected in trans with a pathogenic variant.;Co-segregation with disease in multiple affected family members.

Laboratory of Medical Genetics Unit, Bambino Gesù Children's Hospital
Classification: Likely pathogenic for Pilocytic astrocytoma. Review status: criteria provided, single submitter. Criteria: ACMG Guidelines, 2015. Collection method: research. Allele origin: germline. Affected: yes.
Comment: The rs36053993 variant - known as NM_001048174.2 (MUTYH): c.1103G>A (p.Gly368Asp) - is a very rare variant in GnomAD. It is annotated on Clinvar as Pathogenic/Likely pathogenic associated to Familial adenomatous polyposis 2 [RCV000005614.85] and Hereditary cancer-predisposing syndrome [RCV000115748.39]. The variant is reported in the literature, and it is classified as likely pathogenic according to the ACMG criteria (PM2, PP3, PM5, PP5).

Laboratory of Medical Genetics Unit, Bambino Gesù Children's Hospital
Classification: Likely pathogenic for Pleomorphic xanthoastrocytoma BRAF mutant. Review status: criteria provided, single submitter. Criteria: ACMG Guidelines, 2015. Collection method: research. Allele origin: germline. Affected: yes.
Comment: the same text as in the submission from Laboratory of Medical Genetics Unit, Bambino Gesù Children's Hospital above.

Laboratory of Medical Genetics Unit, Bambino Gesù Children's Hospital
Classification: Likely pathogenic for Infant-type hemispheric glioma. Review status: criteria provided, single submitter. Criteria: ACMG Guidelines, 2015. Collection method: research. Allele origin: germline. Affected: yes.
Comment: the same text as in the submission from Laboratory of Medical Genetics Unit, Bambino Gesù Children's Hospital above.

Laboratory of Medical Genetics Unit, Bambino Gesù Children's Hospital
Classification: Pathogenic for Ependymoma. Review status: criteria provided, single submitter. Criteria: ACMG Guidelines, 2015. Collection method: research. Allele origin: germline. Affected: yes.
Comment: the same text as in the submission from Laboratory of Medical Genetics Unit, Bambino Gesù Children's Hospital above.

Neuberg Centre For Genomic Medicine, NCGM
Classification: Pathogenic for Familial adenomatous polyposis 2. Review status: criteria provided, single submitter. Criteria: ACMG Guidelines, 2015. Collection method: clinical testing. Allele origin: germline. Affected: yes.
Comment: The missense variant p.G396D in MUTYH (NM_001128425.2) has been observed in homozygous or compound heterozygous form with other pathogenic MUTYH variants in patients with adenomatous polyposis syndrome (Al-Tassan 2002, Ruggieri 2013). Functional characterization of the variant protein indicates a partial reduction in DNA binding and glycosylase activity (Ruggieri 2013). The observed variant has been reported in ClinVar as Pathogenic. The p.G396D variant is observed in 555/1,12,884 (0.4917%) alleles from individuals of European (Non-Finnish) background in gnomAD Exomes and in 9/1,006 (0.8946%) alleles from individuals of European background in 1000 Genomes, which is greater than expected for the disorder. There is a moderate physicochemical difference between glycine and aspartic acid. The p.G396D missense variant is predicted to be damaging by both SIFT and PolyPhen2. The nucleotide c.1187 in MUTYH is predicted conserved by GERP++ and PhyloP across 100 vertebrates. For these reasons, this variant has been classified as Pathogenic.

University Health Network, Familial Cancer Clinic, Princess Margaret Cancer Centre
Classification: Pathogenic for Classic or attenuated familial adenomatous polyposis. Review status: criteria provided, single submitter. Criteria: ACMG Guidelines, 2015. Collection method: clinical testing. Allele origin: germline. Inheritance: Autosomal recessive inheritance. Affected: yes. Observed: 1 variant allele.

Diagnostics Centre, Carl Von Ossietzky University Oldenburg
Classification: Pathogenic for Familial cancer of breast. Last evaluated: 2025-06-10. Review status: no assertion criteria provided. Collection method: clinical testing. Allele origin: germline. Affected: yes. Observed: 1 variant allele. Not counted in ClinVar's aggregate classification.
Comment: The variant (MUTYH):c.1103G>A (p.Gly368Asp), also referred to as p.Gly396Asp in the literature, is located in the coding exon 13 of the MUTYH gene. The change results from a guanine-to-adenine substitution at nucleotide position c.1103. The glycine at protein position 368 is replaced by asparagine, an amino acid with altered properties. The affected position is located in the Nudix functional domain of the protein. The variant has been described in various publications in homozygous or compound heterozygous state in patients with MUTYH-associated diseases (PMID: 33384714, 31159747, 19245865). Experimental studies demonstrated that the variant causes a deleterious effect on protein function (PMIDs: 20848659, 15987719). In silico tools predict a strong deleterious effect in the protein structure/function (REVEL = 0,95). The variant has been classified as Pathogenic on 65 entries and three times as Likely pathogenic in ClinVar (VCV000005294.147). In summary, the variant is classified as Pathogenic.

Zotz-Klimas Genetics Lab, MVZ Zotz Klimas
Classification: Pathogenic for Familial adenomatous polyposis 2. Last evaluated: 2023-10-09. Review status: no assertion criteria provided. Collection method: clinical testing. Allele origin: germline. Affected: yes. Not counted in ClinVar's aggregate classification.

Medical Genetics Laboratory, Umraniye Training and Research Hospital, University of Health Sciences
Classification: Pathogenic for Colon cancer. Last evaluated: 2021-08-23. Review status: no assertion criteria provided. Collection method: clinical testing. Allele origin: germline. Affected: yes. Observed: 1 variant allele, 1 heterozygote. Not counted in ClinVar's aggregate classification.

Medical Genetics Laboratory, Umraniye Training and Research Hospital, University of Health Sciences
Classification: Pathogenic for Breast carcinoma. Last evaluated: 2021-08-20. Review status: no assertion criteria provided. Collection method: clinical testing. Allele origin: germline. Affected: yes. Observed: 1 variant allele, 1 heterozygote. Not counted in ClinVar's aggregate classification.
Comment: Invasive Ductal Carcinoma Estrogen Receptor: Positive Progesterone Receptor: Positive HER2 Receptor: Negative

True Health Diagnostics
Classification: Pathogenic for Hereditary cancer-predisposing syndrome. Last evaluated: 2017-12-29. Review status: no assertion criteria provided. Collection method: clinical testing. Allele origin: germline. Not counted in ClinVar's aggregate classification.

Endocrine oncology group, Uppsala University
Classification: Likely pathogenic for Small intestine carcinoid. Last evaluated: 2017-03-09. Review status: no assertion criteria provided. Collection method: case-control. Allele origin: germline. Inheritance: Autosomal dominant inheritance. Affected: yes. Observed: 6 variant alleles, 6 heterozygotes. Not counted in ClinVar's aggregate classification.

Donald Williams Parsons Laboratory, Baylor College of Medicine
Classification: Pathogenic for Familial adenomatous polyposis 2. Last evaluated: 2015-10-12. Review status: no assertion criteria provided. Collection method: research. Allele origin: germline. Inheritance: Autosomal recessive inheritance. Observed: 1 variant allele, 1 heterozygote. Study: CSER-BASIC3. Not counted in ClinVar's aggregate classification.
Comment: This variant has been previously reported as disease-causing. It would be pathogenic in a recessive state; heterozygotes would be carriers for the condition.

Counsyl
Classification: Pathogenic for Familial adenomatous polyposis 2. Last evaluated: 2015-07-01. Review status: no assertion criteria provided. Collection method: clinical testing. Allele origin: unknown. Not counted in ClinVar's aggregate classification.

Division of Human Genetics, Children's Hospital of Philadelphia
Classification: Pathogenic for Familial adenomatous polyposis 2; Gastric cancer. Last evaluated: 2015-06-04. Review status: no assertion criteria provided. Collection method: research. Allele origin: germline. Study: CSER-PediSeq. Not counted in ClinVar's aggregate classification.

Pathway Genomics
Classification: Pathogenic for Carcinoma of colon. Last evaluated: 2014-07-24. Review status: no assertion criteria provided. Collection method: clinical testing. Allele origin: germline. Not counted in ClinVar's aggregate classification.

ITMI
No classification provided. Condition: AllHighlyPenetrant. Last evaluated: 2013-09-19. Review status: no classification provided. Collection method: reference population. Allele origin: germline. Not counted in ClinVar's aggregate classification.
Comment: Please see associated publication for description of ethnicities